The following is an entry in ClinVar:

NM_004586.3(RPS6KA3):c.20C>G (p.Ala7Gly)

Genes: RPS6KA3 (ribosomal protein S6 kinase A3; minus strand), LOC130068032 (ATAC-STARR-seq lymphoblastoid silent region 20696; plus strand). Cytogenetic location: Xp22.12.
Variant type: single nucleotide variant.
Coding change: c.20C>G on transcript NM_004586.3 (MANE Select); coding-DNA position 20, C replaced by G.
Protein change: p.Ala7Gly; replaces alanine 7 with glycine.
Molecular consequence: missense variant.
Genome position (GRCh38, 1-based): chrX:20,266,613, G>C on the plus strand (C>G on the coding strand, the complement: RPS6KA3 is on the minus strand). VCF-style: chrX-20266613-G-C. GRCh37 (hg19) VCF-style: chrX-20284731-G-C.
Other names: c.20C>G (NM_004586.2); short protein forms A7G.
Identifiers: ClinVar variation 1381727 (VCV001381727.7), dbSNP rs1365070717, ClinGen allele CA412510799.

ClinVar aggregate classification (germline): Conflicting classifications of pathogenicity. Review status: criteria provided, conflicting classifications (1 of 4 stars). 2 submissions from 2 submitters: Uncertain significance (1); Likely benign (1). Last evaluated 2025-09-30.

Conditions:
RPS6KA3-related disorder. Also called: RPS6KA3-related condition.
Intellectual developmental disorder, X-linked 19. Also called: Intellectual disability, X-linked 19. Identifiers: Orphanet 777, MedGen C0796225, MONDO:0010447, OMIM 300844.
Coffin-Lowry syndrome (CLS). Also called: COFFIN-LOWRY SYNDROME, MILD; Mental retardation with osteocartilaginous abnormalities. Identifiers: Orphanet 192, MedGen C0265252, MONDO:0010561, OMIM 303600.

Allele frequency attached by ClinVar (database versions not stated): gnomAD exomes 0.00001 and below 0.00001; TOPMed 0.00001.
gnomAD v4.1: 1 of 1,143,671 alleles (0.000087%); highest among the groups gnomAD compares: Non-Finnish European, 0.00012%; no homozygotes.

Submissions (2):

PreventionGenetics, part of Exact Sciences
Classification: Uncertain significance for RPS6KA3-related condition. Last evaluated: 2025-09-30. Review status: criteria provided, single submitter. Criteria: ACMG Guidelines, 2015. Collection method: clinical testing. Allele origin: germline.
Comment: The RPS6KA3 c.20C>G variant is predicted to result in the amino acid substitution p.Ala7Gly. To our knowledge, this variant has not been reported in the literature. This variant is reported in 0.0031% of alleles in individuals of European (Non-Finnish) descent in gnomAD. At this time, the clinical significance of this variant is uncertain due to the absence of conclusive functional and genetic evidence.

Labcorp Genetics (formerly Invitae), Labcorp
Classification: Likely benign for Coffin-Lowry syndrome; Intellectual developmental disorder, X-linked 19. Last evaluated: 2022-09-01. Review status: criteria provided, single submitter. Criteria: Invitae Variant Classification Sherloc (09022015). Collection method: clinical testing. Allele origin: germline.